The following is an entry in ClinVar:

NM_178554.6(KY):c.1082T>C (p.Ile361Thr)

Genes: CEP63 (centrosomal protein 63; plus strand), KY (kyphoscoliosis peptidase; minus strand). Cytogenetic location: 3q22.2.
Variant type: single nucleotide variant.
Coding change: c.1082T>C on transcript NM_178554.6 (MANE Select); coding-DNA position 1082, T replaced by C.
Protein change: p.Ile361Thr; replaces isoleucine 361 with threonine.
Molecular consequence: missense variant.
Genome position (GRCh38, 1-based): chr3:134,608,657, A>G on the plus strand (T>C on the coding strand, the complement: KY is on the minus strand). VCF-style: chr3-134608657-A-G. GRCh37 (hg19) VCF-style: chr3-134327499-A-G.
Other names: c.1034T>C, p.Ile345Thr (NM_001350859.2); c.956T>C, p.Ile319Thr (NM_001350860.2); c.1019T>C, p.Ile340Thr (NM_001366276.1); c.1082T>C, p.Ile361Thr (NM_001366277.2); short protein forms I319T, I340T, I345T, I361T.
Identifiers: ClinVar variation 1723013 (VCV001723013.2), dbSNP rs1015876020, ClinGen allele CA83755573.

ClinVar aggregate classification (germline): Uncertain significance (1 of 4 stars; one submission).

Allele frequency attached by ClinVar (database versions not stated): gnomAD exomes below 0.00001; TOPMed 0.00001.
gnomAD v4.1: 2 of 1,613,976 alleles (0.00012%); highest among the groups gnomAD compares: African/African-American, 0.0013%; no homozygotes.

Submission:

GeneDx
Classification: Uncertain significance. Last evaluated: 2022-05-05. Review status: criteria provided, single submitter. Criteria: GeneDx Variant Classification Process June 2021. Collection method: clinical testing. Allele origin: germline. Affected: yes.
Comment: Not observed at significant frequency in large population cohorts (gnomAD); In silico analysis supports that this missense variant does not alter protein structure/function; Has not been previously published as pathogenic or benign to our knowledge